The following is an entry in ClinVar:

ClinVar aggregate classification (germline): Uncertain significance (1 of 4 stars; one submission).

gnomAD v4.1: 2 of 1,603,882 alleles (0.00012%); highest among the groups gnomAD compares: Non-Finnish European, 0.00017%; no homozygotes.

Submission:

GeneDx
Classification: Uncertain significance. Last evaluated: 2025-04-12. Review status: criteria provided, single submitter. Criteria: GeneDx Variant Classification Process June 2021. Collection method: clinical testing. Allele origin: germline. Affected: yes.
Comment: Not observed at significant frequency in large population cohorts (gnomAD); In silico analysis supports that this missense variant has a deleterious effect on protein structure/function; Has not been previously published as pathogenic or benign to our knowledge

NM_014363.6(SACS):c.4615A>G (p.Thr1539Ala)

Gene: SACS (sacsin molecular chaperone; minus strand). Cytogenetic location: 13q12.12.
Variant type: single nucleotide variant.
Coding change: c.4615A>G on transcript NM_014363.6 (MANE Select); coding-DNA position 4615, A replaced by G.
Protein change: p.Thr1539Ala; replaces threonine 1539 with alanine.
Molecular consequence: missense variant.
Genome position (GRCh38, 1-based): chr13:23,339,261, T>C on the plus strand (A>G on the coding strand, the complement: SACS is on the minus strand). VCF-style: chr13-23339261-T-C. GRCh37 (hg19) VCF-style: chr13-23913400-T-C.
Other names: c.4174A>G, p.Thr1392Ala (NM_001278055.2); c.4642A>G, p.Thr1548Ala (NM_001437336.1); short protein forms T1392A, T1539A, T1548A.
Identifiers: ClinVar variation 4282430 (VCV004282430.1).